The following is an entry in ClinVar:

NM_003640.5(ELP1):c.664A>G (p.Arg222Gly)

Gene: ELP1 (elongator acetyltransferase complex subunit 1; minus strand). Cytogenetic location: 9q31.3.
Variant type: single nucleotide variant.
Coding change: c.664A>G on transcript NM_003640.5 (MANE Select); coding-DNA position 664, A replaced by G.
Protein change: p.Arg222Gly; replaces arginine 222 with glycine.
Molecular consequence: missense variant. On other transcripts: intron variant (1).
Genome position (GRCh38, 1-based): chr9:108,918,887, T>C on the plus strand (A>G on the coding strand, the complement: ELP1 is on the minus strand). VCF-style: chr9-108918887-T-C. GRCh37 (hg19) VCF-style: chr9-111681167-T-C.
Other names: c.322A>G, p.Arg108Gly (NM_001318360.2); c.-307-1217A>G (NM_001330749.2); short protein forms R108G, R222G.
Identifiers: ClinVar variation 854890 (VCV000854890.5), dbSNP rs777975034, ClinGen allele CA5175269.

ClinVar aggregate classification (germline): Uncertain significance. Review status: criteria provided, single submitter (1 of 4 stars). 2 submissions from 2 submitters: Uncertain significance (1). 1 of the submissions does not count toward it. Last evaluated 2022-08-20.

Conditions:
Familial dysautonomia. Also called: HSAN III; FD. Identifiers: Orphanet 1764, MedGen C0013364, MONDO:0009131, OMIM 223900. Disease mechanism: loss of function.

Allele frequency attached by ClinVar (database versions not stated): gnomAD exomes below 0.00001 and 0.00001; ExAC 0.00001; TOPMed 0.00001.
gnomAD v4.1: 21 of 1,614,080 alleles (0.0013%); highest among the groups gnomAD compares: Non-Finnish European, 0.0015%; no homozygotes.

Submissions (2):

Labcorp Genetics (formerly Invitae), Labcorp
Classification: Uncertain significance. Last evaluated: 2022-08-20. Review status: criteria provided, single submitter. Criteria: Invitae Variant Classification Sherloc (09022015). Collection method: clinical testing. Allele origin: germline.
Comment: This sequence change replaces arginine, which is basic and polar, with glycine, which is neutral and non-polar, at codon 222 of the ELP1 protein (p.Arg222Gly). This variant is present in population databases (rs777975034, gnomAD 0.0009%). This variant has not been reported in the literature in individuals affected with ELP1-related conditions. ClinVar contains an entry for this variant (Variation ID: 854890). Algorithms developed to predict the effect of missense changes on protein structure and function are either unavailable or do not agree on the potential impact of this missense change (SIFT: "Deleterious"; PolyPhen-2: "Probably Damaging"; Align-GVGD: "Class C0"). Algorithms developed to predict the effect of sequence changes on RNA splicing suggest that this variant may create or strengthen a splice site. In summary, the available evidence is currently insufficient to determine the role of this variant in disease. Therefore, it has been classified as a Variant of Uncertain Significance.

Natera, Inc.
Classification: Uncertain significance for Familial dysautonomia. Last evaluated: 2020-09-16. Review status: no assertion criteria provided. Collection method: clinical testing. Allele origin: germline. Not counted in ClinVar's aggregate classification.